The following is an entry in ClinVar:

ClinVar aggregate classification (germline): Pathogenic (1 of 4 stars; one submission).

Conditions:
Neurofibromatosis, type 1 (NF1). Also called: NEUROFIBROMATOSIS, TYPE I, SOMATIC; VON RECKLINGHAUSEN DISEASE; Neurofibromatosis, type I; Peripheral type neurofibromatosis. Identifiers: Orphanet 636, MedGen C0027831, MONDO:0018975, OMIM 162200. Disease mechanism: loss of function.

Submission:

Labcorp Genetics (formerly Invitae), Labcorp
Classification: Pathogenic for Neurofibromatosis, type 1. Last evaluated: 2018-07-26. Review status: criteria provided, single submitter. Criteria: Invitae Variant Classification Sherloc (09022015). Collection method: clinical testing. Allele origin: germline.
Comment: This sequence change creates a premature translational stop signal (p.Ser2566Hisfs*38) in the NF1 gene. It is expected to result in an absent or disrupted protein product. This variant is not present in population databases (ExAC no frequency). This variant has not been reported in the literature in individuals with NF1-related disease. Loss-of-function variants in NF1 are known to be pathogenic (PMID: 10712197, 23913538). For these reasons, this variant has been classified as Pathogenic.

Literature cited by the submitters: PubMed 10712197; PubMed 23913538.

NM_001042492.3(NF1):c.7757_7758dup (p.Ser2587fs)

Gene: NF1 (neurofibromin 1; plus strand). Cytogenetic location: 17q11.2.
Variant type: Duplication.
Coding change: c.7757_7758dup on transcript NM_001042492.3 (MANE Select); coding-DNA positions 7757 to 7758, 2 bases duplicated (CA; older notation c.7757_7758dupCA).
Protein change: p.Ser2587fs; shifts the reading frame from serine 2587.
Molecular consequence: frameshift variant.
Genome position (GRCh38, 1-based): chr17:31,356,978-31,356,979, CA duplicated. VCF-style (leftmost placement, unchanged base first): chr17-31356977-T-TCA. GRCh37 (hg19) VCF-style: chr17-29683995-T-TCA.
Other names: c.7694_7695dupCA (NM_000267.3); c.7694_7695dup, p.Ser2566Hisfs (NM_000267.4); short protein forms S2566fs, S2587fs.
Identifiers: ClinVar variation 645292 (VCV000645292.5), dbSNP rs1597866350, ClinGen allele CA915949890.